The following is an entry in ClinVar:

NM_003001.5(SDHC):c.156G>C (p.Leu52=)

Gene: SDHC (succinate dehydrogenase complex subunit C; plus strand). Cytogenetic location: 1q23.3.
Variant type: single nucleotide variant.
Coding change: c.156G>C on transcript NM_003001.5 (MANE Select); coding-DNA position 156, G replaced by C.
Protein change: p.Leu52=; no amino-acid change (leucine 52 retained).
Molecular consequence: synonymous variant. On other transcripts: non-coding transcript variant (1), intron variant (4).
Genome position (GRCh38, 1-based): chr1:161,328,474, G>C. VCF-style: chr1-161328474-G-C. GRCh37 (hg19) VCF-style: chr1-161298264-G-C.
Other names: c.156G>C, p.Leu52= (NM_001035511.3, NM_001407115.1); c.99G>C, p.Leu33= (NM_001407116.1, NM_001407117.1, NM_001407121.1); c.45G>C, p.Leu15= (NM_001407119.1, NM_001407120.1); c.77+4804G>C (NM_001035512.3, NM_001278172.3, NM_001407118.1); c.21-12120G>C (NM_001035513.3).
Identifiers: ClinVar variation 799250 (VCV000799250.15), dbSNP rs987490127, ClinGen allele CA31686040.
Genomic context (GRCh38, chr1:161,328,474, plus strand): 5'-CACGGCCAAAGAAGAGATGGAGCGGTTCTGGAATAAGAATATAGGTTCAAACCGTCCTCT[G>C]TCTCCCCACATTACTATCTACAGGTAAGGAAGGATTCTGGAGCCAGAGAATCTAGAGGTA-3'
Protein context (NP_002992.1, residues 42-62): WNKNIGSNRP[Leu52=]SPHITIYSWS

ClinVar aggregate classification (germline): Benign/Likely benign. Review status: criteria provided, multiple submitters, no conflicts (2 of 4 stars). 3 submissions from 3 submitters: Benign (1); Likely benign (2). Last evaluated 2025-11-18.

Conditions:
Hereditary cancer-predisposing syndrome. Also called: Neoplastic Syndromes, Hereditary; Hereditary Cancer Syndrome; Hereditary neoplastic syndrome; Tumor predisposition. Identifiers: Orphanet 140162, MedGen C0027672, MeSH D009386, MONDO:0015356.
Pheochromocytoma/paraganglioma syndrome 3. Also called: SDHC-Related Hereditary Paraganglioma-Pheochromocytoma Syndrome (Paragangliomas 3); SDHC-Related Hereditary Paraganglioma-Pheochromocytoma Syndrome; Paragangliomas 3; GLOMUS TUMORS, FAMILIAL, 3. Identifiers: Orphanet 29072, MedGen C1854336, MONDO:0011544, OMIM 605373.
Gastrointestinal stromal tumor. Also called: Gastrointestinal stromal tumor, somatic; Gastrointestinal stroma tumor. Identifiers: Orphanet 44890, MedGen C0238198, MeSH D046152, MONDO:0011719, OMIM 606764, HP:0100723.

Allele frequency attached by ClinVar (database versions not stated): gnomAD exomes below 0.00001; TOPMed below 0.00001.
gnomAD v4.1: 1 of 1,611,538 alleles (0.000062%); highest among the groups gnomAD compares: African/African-American, 0.0013%; no homozygotes.

Submissions (3):

Labcorp Genetics (formerly Invitae), Labcorp
Classification: Likely benign for Pheochromocytoma/paraganglioma syndrome 3; Gastrointestinal stromal tumor. Last evaluated: 2025-11-18. Review status: criteria provided, single submitter. Criteria: Invitae Variant Classification Sherloc (09022015). Collection method: clinical testing. Allele origin: germline.

Myriad Genetics, Inc.
Classification: Benign for Pheochromocytoma/paraganglioma syndrome 3. Last evaluated: 2025-03-14. Review status: criteria provided, single submitter. Criteria: Myriad Autosomal Dominant, Autosomal Recessive and X-Linked Classification Criteria (2023). Collection method: clinical testing. Allele origin: unknown.
Comment: This variant is considered benign. This variant is a silent/synonymous amino acid change and it is not expected to impact splicing.

Ambry Genetics
Classification: Likely benign for Hereditary cancer-predisposing syndrome. Last evaluated: 2023-06-18. Review status: criteria provided, single submitter. Criteria: Ambry Variant Classification Scheme 2023. Collection method: clinical testing. Allele origin: germline.